The following is an entry in ClinVar:

NM_000257.4(MYH7):c.3847G>A (p.Glu1283Lys)

Gene: MYH7 (myosin heavy chain 7; minus strand). Cytogenetic location: 14q11.2.
Variant type: single nucleotide variant.
Coding change: c.3847G>A on transcript NM_000257.4 (MANE Select); coding-DNA position 3847, G replaced by A.
Protein change: p.Glu1283Lys; replaces glutamic acid 1283 with lysine.
Molecular consequence: missense variant.
Genome position (GRCh38, 1-based): chr14:23,419,489, C>T on the plus strand (G>A on the coding strand, the complement: MYH7 is on the minus strand). VCF-style: chr14-23419489-C-T. GRCh37 (hg19) VCF-style: chr14-23888698-C-T.
Other names: c.3847G>A (NM_000257.2); short protein forms E1283K.
Identifiers: ClinVar variation 1021629 (VCV001021629.11), dbSNP rs1892375580, ClinGen allele CA389041884.

ClinVar aggregate classification (germline): Uncertain significance. Review status: criteria provided, multiple submitters, no conflicts (2 of 4 stars). 4 submissions from 4 submitters: Uncertain significance (4). Last evaluated 2025-06-09.

Conditions:
Dilated cardiomyopathy 1S (CMD1S). Identifiers: Orphanet 154, Orphanet 54260, MedGen C1834481, MONDO:0013262, OMIM 613426.
Cardiomyopathy (CMYO). Also called: Cardiomyopathies. Identifiers: Orphanet 167848, MedGen C0878544, MONDO:0004994, HP:0001638. Inheritance: Various modes of inheritance.
Hypertrophic cardiomyopathy. Also called: HYPERTROPHIC MYOCARDIOPATHY. Identifiers: Orphanet 217569, MedGen C0007194, MeSH D002312, MONDO:0005045, HP:0001639.

Allele frequency attached by ClinVar (database versions not stated): gnomAD exomes 0.00001.
gnomAD v4.1: 6 of 1,614,086 alleles (0.00037%); highest among the groups gnomAD compares: Non-Finnish European, 0.00051%; no homozygotes.

Submissions (4):

Labcorp Genetics (formerly Invitae), Labcorp
Classification: Uncertain significance for Hypertrophic cardiomyopathy. Last evaluated: 2025-06-09. Review status: criteria provided, single submitter. Criteria: Invitae Variant Classification Sherloc (09022015). Collection method: clinical testing. Allele origin: germline.
Comment: This sequence change replaces glutamic acid, which is acidic and polar, with lysine, which is basic and polar, at codon 1283 of the MYH7 protein (p.Glu1283Lys). This variant is not present in population databases (gnomAD no frequency). This variant has not been reported in the literature in individuals affected with MYH7-related conditions. ClinVar contains an entry for this variant (Variation ID: 1021629). Invitae Evidence Modeling of protein sequence and biophysical properties (such as structural, functional, and spatial information, amino acid conservation, physicochemical variation, residue mobility, and thermodynamic stability) indicates that this missense variant is expected to disrupt MYH7 protein function with a positive predictive value of 95%. In summary, the available evidence is currently insufficient to determine the role of this variant in disease. Therefore, it has been classified as a Variant of Uncertain Significance.

GeneDx
Classification: Uncertain significance. Last evaluated: 2025-03-11. Review status: criteria provided, single submitter. Criteria: GeneDx Variant Classification Process June 2021. Collection method: clinical testing. Allele origin: germline. Affected: yes.
Comment: Not observed at significant frequency in large population cohorts (gnomAD); In silico analysis supports that this missense variant has a deleterious effect on protein structure/function; Has not been previously published as pathogenic or benign to our knowledge

All of Us Research Program, National Institutes of Health
Classification: Uncertain significance for Cardiomyopathy. Last evaluated: 2023-12-18. Review status: criteria provided, single submitter. Criteria: ACMG Guidelines, 2015. Collection method: clinical testing. Allele origin: germline. Inheritance: Autosomal dominant inheritance. Observed: 2 variant alleles, 2 heterozygotes.
Comment: This missense variant replaces glutamic acid with lysine at codon 1283 of the MYH7 protein. Computational prediction suggests that this variant may have deleterious impact on protein structure and function (internally defined REVEL score threshold >= 0.7, PMID: 27666373). To our knowledge, functional studies have not been reported for this variant. This variant has not been reported in individuals affected with MYH7-related disorders in the literature. This variant has not been identified in the general population by the Genome Aggregation Database (gnomAD). The available evidence is insufficient to determine the role of this variant in disease conclusively. Therefore, this variant is classified as a Variant of Uncertain Significance.

This study involves interpretation of variants in research participants for the purpose of population health screening. Participant phenotype was not available at the time of variant classification. Additional details can be found in publication PMID: 35346344, PMCID: PMC8962531

Institute of Human Genetics, University of Leipzig Medical Center
Classification: Uncertain significance for Dilated cardiomyopathy 1S. Last evaluated: 2021-07-13. Review status: criteria provided, single submitter. Criteria: ACMG Guidelines, 2015. Collection method: clinical testing. Allele origin: unknown. Affected: yes.